The following is an entry in ClinVar:

NM_000238.4(KCNH2):c.1592G>A (p.Arg531Gln)

Gene: KCNH2 (potassium voltage-gated channel subfamily H member 2; minus strand). Cytogenetic location: 7q36.1.
Variant type: single nucleotide variant.
Coding change: c.1592G>A on transcript NM_000238.4 (MANE Select); coding-DNA position 1592, G replaced by A.
Protein change: p.Arg531Gln; replaces arginine 531 with glutamine.
Molecular consequence: missense variant.
Genome position (GRCh38, 1-based): chr7:150,951,801, C>T on the plus strand (G>A on the coding strand, the complement: KCNH2 is on the minus strand). VCF-style: chr7-150951801-C-T. GRCh37 (hg19) VCF-style: chr7-150648889-C-T.
Other names: c.1592G>A (LRG_288t1); c.572G>A, p.Arg191Gln (NM_001204798.2, NM_172057.3); c.1304G>A, p.Arg435Gln (NM_001406753.1, NM_001406756.1); c.1415G>A, p.Arg472Gln (NM_001406755.1); c.1292G>A, p.Arg431Gln (NM_001406757.1); c.1592G>A, p.Arg531Gln (NM_172056.3); short protein forms R191Q, R531Q, R435Q, R472Q, R431Q.
Identifiers: ClinVar variation 67219 (VCV000067219.4), dbSNP rs199473515, ClinGen allele CA004878.

ClinVar aggregate classification (germline): Likely pathogenic. Review status: criteria provided, single submitter (1 of 4 stars). 2 submissions from 2 submitters: Likely pathogenic (1). 1 of the submissions does not count toward it. Last evaluated 2024-12-03.

Conditions:
Cardiovascular phenotype. Identifiers: MedGen CN230736.
Familial long QT syndrome (RWS). Also called: Congenital long QT syndrome; Romano-Ward syndrome; VENTRICULAR FIBRILLATION WITH PROLONGED QT INTERVAL. Identifiers: Orphanet 768, MedGen C1141890, MONDO:0019171.

Allele frequency attached by ClinVar (database versions not stated): gnomAD exomes below 0.00001.
gnomAD v4.1: 2 of 1,591,518 alleles (0.00013%); highest among the groups gnomAD compares: East Asian, 0.0022%; no homozygotes.

Submissions (2):

Ambry Genetics
Classification: Likely pathogenic for Cardiovascular phenotype. Last evaluated: 2024-12-03. Review status: criteria provided, single submitter. Criteria: Ambry Variant Classification Scheme 2023. Collection method: clinical testing. Allele origin: germline.
Comment: The c.1592G>A (p.R531Q) alteration is located in exon 7 (coding exon 7) of the KCNH2 gene. This alteration results from a G to A substitution at nucleotide position 1592, causing the arginine (R) at amino acid position 531 to be replaced by a glutamine (Q). for KCNH2-related long QT syndrome; however, its clinical significance for KCNH2-related short QT syndrome is uncertain. This variant was not reported in population-based cohorts in the Genome Aggregation Database (gnomAD). This variant was reported in individual(s) with features consistent with long QT syndrome (Splawski, 2000). This amino acid position is highly conserved in available vertebrate species. This missense alteration is located in a region that has a low rate of benign missense variation (Lek, 2016; Firth, 2009). Based on internal structural analysis, this variant is located in a critical position for channel gating (Ambry internal data). In an assay testing KCNH2 function, this variant showed a functionally abnormal result (McBride, 2013). This alteration is predicted to be deleterious by in silico analysis. Based on the available evidence, this alteration is classified as likely pathogenic.

Cardiovascular Biomedical Research Unit, Royal Brompton & Harefield NHS Foundation Trust
No classification provided. Condition: Familial long QT syndrome. Review status: no classification provided. Collection method: literature only. Allele origin: germline. Not counted in ClinVar's aggregate classification.
Comment: This variant has been reported as associated with Long QT syndrome in the following publications (PMID:10973849). This is a literature report, and does not necessarily reflect the clinical interpretation of the Imperial College / Royal Brompton Cardiovascular Genetics laboratory.

Literature cited by the submitters: PubMed 10973849 (cited by Ambry Genetics and Cardiovascular Biomedical Research Unit, Royal Brompton & Harefield NHS Foundation Trust); PubMed 23546015 (cited by Ambry Genetics); PubMed 22581653 (cited by Cardiovascular Biomedical Research Unit, Royal Brompton & Harefield NHS Foundation Trust).